The following is an entry in ClinVar:

NM_006904.7(PRKDC):c.1502C>G (p.Pro501Arg)

Gene: PRKDC (protein kinase, DNA-activated, catalytic subunit; minus strand). Cytogenetic location: 8q11.21.
Variant type: single nucleotide variant.
Coding change: c.1502C>G on transcript NM_006904.7 (MANE Select); coding-DNA position 1502, C replaced by G.
Protein change: p.Pro501Arg; replaces proline 501 with arginine.
Molecular consequence: missense variant.
Genome position (GRCh38, 1-based): chr8:47,934,086, G>C on the plus strand (C>G on the coding strand, the complement: PRKDC is on the minus strand). VCF-style: chr8-47934086-G-C. GRCh37 (hg19) VCF-style: chr8-48846646-G-C.
Other names: c.1502C>G, p.Pro501Arg (NM_001081640.2); short protein forms P501R.
Identifiers: ClinVar variation 1774039 (VCV001774039.2), dbSNP rs2551879212, ClinGen allele CA371165512.
Genomic context (GRCh38, chr8:47,934,086, plus strand): 5'-ACCTTCCATTTGCCAGTTCTGACTTCCCCTGAAGCACGGTGGTCTTCAGATTCAGACTCA[G>C]GGCCCTGGCCAGAAAGACAGCATGACAATATGTAGTGATGGATTCTCAGAAGCAGCACTG-3'
Protein context (NP_008835.5, residues 491-511): CSKPVVLPKG[Pro501Arg]ESESEDHRAS

ClinVar aggregate classification (germline): Uncertain significance (1 of 4 stars; one submission).

Submission:

Ambry Genetics
Classification: Uncertain significance. Last evaluated: 2021-11-23. Review status: criteria provided, single submitter. Criteria: Ambry Variant Classification Scheme 2023. Collection method: clinical testing. Allele origin: germline.
Comment: The p.P501R variant (also known as c.1502C>G), located in coding exon 15 of the PRKDC gene, results from a C to G substitution at nucleotide position 1502. The proline at codon 501 is replaced by arginine, an amino acid with dissimilar properties. This amino acid position is conserved. In addition, this alteration is predicted to be tolerated by in silico analysis. Since supporting evidence is limited at this time, the clinical significance of this alteration remains unclear.